The following is an entry in ClinVar:

ClinVar aggregate classification (germline): Uncertain significance (1 of 4 stars; one submission).

Conditions:
Inborn genetic diseases. Identifiers: MedGen C0950123, MeSH D030342.

Submission:

Ambry Genetics
Classification: Uncertain significance for Inborn genetic diseases. Last evaluated: 2022-09-08. Review status: criteria provided, single submitter. Criteria: Ambry Variant Classification Scheme 2023. Collection method: clinical testing. Allele origin: germline.
Comment: The c.3127G>A (p.V1043I) alteration is located in exon 26 (coding exon 26) of the SMC3 gene. This alteration results from a G to A substitution at nucleotide position 3127, causing the valine (V) at amino acid position 1043 to be replaced by an isoleucine (I). This variant was not reported in population-based cohorts in the Genome Aggregation Database (gnomAD). This amino acid position is highly conserved in available vertebrate species. This missense alteration is located in a region that has a low rate of benign missense variation (Lek, 2016; Firth, 2009). This alteration is predicted to be tolerated by in silico analysis. Based on insufficient or conflicting evidence, the clinical significance of this alteration remains unclear.

Literature cited by the submitters: PubMed 19344873; PubMed 27535533.

NM_005445.4(SMC3):c.3127G>A (p.Val1043Ile)

Gene: SMC3 (structural maintenance of chromosomes 3; plus strand). Cytogenetic location: 10q25.2.
Variant type: single nucleotide variant.
Coding change: c.3127G>A on transcript NM_005445.4 (MANE Select); coding-DNA position 3127, G replaced by A.
Protein change: p.Val1043Ile; replaces valine 1043 with isoleucine.
Molecular consequence: missense variant.
Genome position (GRCh38, 1-based): chr10:110,602,495, G>A. VCF-style: chr10-110602495-G-A. GRCh37 (hg19) VCF-style: chr10-112362253-G-A.
Other names: short protein forms V1043I.
Identifiers: ClinVar variation 2306764 (VCV002306764.2), dbSNP rs2493149284, ClinGen allele CA378394534.